The following is an entry in ClinVar:

NM_174936.4(PCSK9):c.2038C>T (p.Arg680Trp)

Gene: PCSK9 (proprotein convertase subtilisin/kexin type 9; plus strand). Cytogenetic location: 1p32.3.
Variant type: single nucleotide variant.
Coding change: c.2038C>T on transcript NM_174936.4 (MANE Select); coding-DNA position 2038, C replaced by T.
Protein change: p.Arg680Trp; replaces arginine 680 with tryptophan.
Molecular consequence: missense variant.
Genome position (GRCh38, 1-based): chr1:55,063,543, C>T. VCF-style: chr1-55063543-C-T. GRCh37 (hg19) VCF-style: chr1-55529216-C-T.
Other names: c.2161C>T, p.Arg721Trp (NM_001407240.1); c.2080C>T, p.Arg694Trp (NM_001407241.1); c.2041C>T, p.Arg681Trp (NM_001407242.1); c.1981C>T, p.Arg661Trp (NM_001407243.1); c.1864C>T, p.Arg622Trp (NM_001407244.1); c.1846C>T, p.Arg616Trp (NM_001407245.1); c.1663C>T, p.Arg555Trp (NM_001407246.1); c.1537C>T, p.Arg513Trp (NM_001407247.1); short protein forms R680W, R513W, R694W, R622W, R661W, R681W, R721W, R555W.
Identifiers: ClinVar variation 375843 (VCV000375843.15), dbSNP rs533555352, ClinGen allele CA040440.

ClinVar aggregate classification (germline): Conflicting classifications of pathogenicity. Review status: criteria provided, conflicting classifications (1 of 4 stars). 6 submissions from 6 submitters: Uncertain significance (1); Likely benign (5). Last evaluated 2025-10-27.

Conditions:
Hypercholesterolemia, autosomal dominant, 3 (FHCL3). Also called: Familial hypercholesterolemia 3; Familial Hypercholesterolemia, Autosomal Dominant, 3; PCSK9-Related Familial Hypercholesterolemia, Autosomal Dominant. Identifiers: MedGen C1863551, MONDO:0011369, OMIM 603776.
Cardiovascular phenotype. Identifiers: MedGen CN230736.
Familial hypercholesterolemia. Also called: Familial hypercholesterolemias; Familial hypercholesterolaemia. Identifiers: MedGen C0020445, MONDO:0005439.
Hypercholesterolemia, familial, 1. Also called: LDL RECEPTOR DISORDER; Hyperlipoproteinemia Type IIa; HYPER-LOW-DENSITY-LIPOPROTEINEMIA; HYPERCHOLESTEROLEMIC XANTHOMATOSIS, FAMILIAL; Fredrickson type IIa hyperlipoproteinemia; Hyperlipoproteinemia type 2. Identifiers: Orphanet 391665, MedGen C0745103, MONDO:0007750, OMIM 143890.

Allele frequency attached by ClinVar (database versions not stated): gnomAD 0.00001 and 0.00005; TOPMed 0.00002; gnomAD exomes 0.00017 and 0.00031; ExAC 0.00041; 1000 Genomes Project 30x 0.00078; 1000 Genomes Project 0.00100.
gnomAD v4.1: 252 of 1,613,094 alleles (0.016%); highest among the groups gnomAD compares: South Asian, 0.24%; 3 homozygotes.

Submissions (6):

Labcorp Genetics (formerly Invitae), Labcorp
Classification: Likely benign for Hypercholesterolemia, autosomal dominant, 3. Last evaluated: 2025-10-27. Review status: criteria provided, single submitter. Criteria: Invitae Variant Classification Sherloc (09022015). Collection method: clinical testing. Allele origin: germline.

Ambry Genetics
Classification: Likely benign for Cardiovascular phenotype. Last evaluated: 2022-11-02. Review status: criteria provided, single submitter. Criteria: Ambry Variant Classification Scheme 2023. Collection method: clinical testing. Allele origin: germline.

Women's Health and Genetics/Laboratory Corporation of America, LabCorp
Classification: Likely benign. Last evaluated: 2021-10-23. Review status: criteria provided, single submitter. Criteria: LabCorp Variant Classification Summary - May 2015. Collection method: clinical testing. Allele origin: germline.

Color Diagnostics, LLC DBA Color Health
Classification: Likely benign for Familial hypercholesterolemias. Last evaluated: 2018-10-18. Review status: criteria provided, single submitter. Criteria: ACMG Guidelines, 2015. Collection method: clinical testing. Allele origin: germline.

Robarts Research Institute, Western University
Classification: Uncertain significance for Hypercholesterolemia, familial, 1. Last evaluated: 2018-01-02. Review status: criteria provided, single submitter. Criteria: ACMG Guidelines, 2015. Collection method: clinical testing. Allele origin: germline. Inheritance: Autosomal dominant inheritance. Affected: yes.

Centre de Génétique Moléculaire et Chromosomique, Unité de génétique de l'Obésité et des Dyslipidémies, APHP, GH Hôpitaux Universitaires Pitié-Salpêtrière / Charles-Foix
Classification: Likely benign for Hypercholesterolemia, autosomal dominant, 3. Last evaluated: 2016-12-16. Review status: criteria provided, single submitter. Criteria: ACMG Guidelines, 2015. Collection method: clinical testing. Allele origin: germline. Affected: yes.
Comment: subject mutated among 2600 FH index cases screened = 1, family member = 1, without co-segregation / Software predictions: Damaging

Literature cited by the submitters: PubMed 33303402 (cited by Ambry Genetics).